The following is an entry in ClinVar:

NM_032802.4(SPPL2A):c.668T>C (p.Val223Ala)

Gene: SPPL2A (signal peptide peptidase like 2A; minus strand). Cytogenetic location: 15q21.2.
Variant type: single nucleotide variant.
Coding change: c.668T>C on transcript NM_032802.4 (MANE Select); coding-DNA position 668, T replaced by C.
Protein change: p.Val223Ala; replaces valine 223 with alanine.
Molecular consequence: missense variant.
Genome position (GRCh38, 1-based): chr15:50,739,745, A>G on the plus strand (T>C on the coding strand, the complement: SPPL2A is on the minus strand). VCF-style: chr15-50739745-A-G. GRCh37 (hg19) VCF-style: chr15-51031942-A-G.
Other names: short protein forms V223A.
Identifiers: ClinVar variation 2420854 (VCV002420854.7), dbSNP rs371699616, ClinGen allele CA7558458.

ClinVar aggregate classification (germline): Uncertain significance. Review status: criteria provided, multiple submitters, no conflicts (2 of 4 stars). 2 submissions from 2 submitters: Uncertain significance (2). Last evaluated 2025-11-23.

Allele frequency attached by ClinVar (database versions not stated): gnomAD 0.00001; gnomAD exomes 0.00001; ExAC 0.00002; TOPMed 0.00002; ESP Exome Variant Server 0.00008.
gnomAD v4.1: 9 of 1,600,894 alleles (0.00056%); highest among the groups gnomAD compares: Non-Finnish European, 0.00077%; no homozygotes.

Submissions (2):

Labcorp Genetics (formerly Invitae), Labcorp
Classification: Uncertain significance. Last evaluated: 2025-11-23. Review status: criteria provided, single submitter. Criteria: Invitae Variant Classification Sherloc (09022015). Collection method: clinical testing. Allele origin: germline.
Comment: This sequence change replaces valine, which is neutral and non-polar, with alanine, which is neutral and non-polar, at codon 223 of the SPPL2A protein (p.Val223Ala). This variant is present in population databases (rs371699616, gnomAD 0.003%). This variant has not been reported in the literature in individuals affected with SPPL2A-related conditions. ClinVar contains an entry for this variant (Variation ID: 2420854). An algorithm developed to predict the effect of missense changes on protein structure and function (PolyPhen-2) suggests that this variant is likely to be disruptive. In summary, the available evidence is currently insufficient to determine the role of this variant in disease. Therefore, it has been classified as a Variant of Uncertain Significance.

Blueprint Genetics
Classification: Uncertain significance. Last evaluated: 2023-04-20. Review status: criteria provided, single submitter. Criteria: ACMG Guidelines, 2015. Collection method: clinical testing. Allele origin: germline.